The following is an entry in ClinVar:

NM_001330691.3(CEP78):c.2072A>G (p.Asn691Ser)

Gene: CEP78 (centrosomal protein 78; plus strand). Cytogenetic location: 9q21.2.
Variant type: single nucleotide variant.
Coding change: c.2072A>G on transcript NM_001330691.3 (MANE Select); coding-DNA position 2072, A replaced by G.
Protein change: p.Asn691Ser; replaces asparagine 691 with serine.
Molecular consequence: missense variant.
Genome position (GRCh38, 1-based): chr9:78,266,668, A>G. VCF-style: chr9-78266668-A-G. GRCh37 (hg19) VCF-style: chr9-80881584-A-G.
Other names: c.2027A>G, p.Asn676Ser (NM_001349840.2, NM_032171.3); c.2075A>G, p.Asn692Ser (NM_001098802.3, NM_001349839.2); c.2024A>G, p.Asn675Ser (NM_001330693.3, NM_001330694.2); c.2072A>G, p.Asn691Ser (NM_001349838.2); short protein forms N675S, N676S, N691S, N692S.
Identifiers: ClinVar variation 1695251 (VCV001695251.31), dbSNP rs2118497424, ClinGen allele CA373867910.

ClinVar aggregate classification (germline): Uncertain significance (1 of 4 stars; one submission).

Submission:

CeGaT Center for Human Genetics Tuebingen
Classification: Uncertain significance. Last evaluated: 2022-05-01. Review status: criteria provided, single submitter. Criteria: CeGaT Center For Human Genetics Tuebingen Variant Classification Criteria Version 2. Collection method: clinical testing. Allele origin: germline. Affected: yes. Observed: 1 variant allele.
Comment: CEP78: PM2, BP4